The following is an entry in ClinVar:

ClinVar aggregate classification (germline): Conflicting classifications of pathogenicity. Review status: criteria provided, conflicting classifications (1 of 4 stars). 6 submissions from 6 submitters: Uncertain significance (3); Likely benign (2). 1 of the submissions does not count toward it. Last evaluated 2026-01-26.

Conditions:
MYLK2-related disorder. Also called: MYLK2-related condition.
Hypertrophic cardiomyopathy 1 (CMH1). Also called: Familial hypertrophic cardiomyopathy 1; MYH7-Related Familial Hypertrophic Cardiomyopathy. Identifiers: MedGen C3495498, MONDO:0008647, OMIM 192600.

Allele frequency attached by ClinVar (database versions not stated): gnomAD exomes 0.00003 and 0.00010; ExAC 0.00009; 1000 Genomes Project 0.00020; 1000 Genomes Project 30x 0.00031; gnomAD 0.00048 and 0.00051; TOPMed 0.00049; ESP Exome Variant Server 0.00085.
gnomAD v4.1: 119 of 1,613,866 alleles (0.0074%); highest among the groups gnomAD compares: African/African-American, 0.14%; no homozygotes.

Submissions (6):

Labcorp Genetics (formerly Invitae), Labcorp
Classification: Likely benign for Hypertrophic cardiomyopathy 1. Last evaluated: 2026-01-26. Review status: criteria provided, single submitter. Criteria: Invitae Variant Classification Sherloc (09022015). Collection method: clinical testing. Allele origin: germline.

GeneDx
Classification: Uncertain significance. Last evaluated: 2025-07-28. Review status: criteria provided, single submitter. Criteria: GeneDx Variant Classification Process June 2021. Collection method: clinical testing. Allele origin: germline. Affected: yes.
Comment: Has not been previously published as pathogenic or benign to our knowledge; In silico analysis supports that this missense variant has a deleterious effect on protein structure/function

Ambry Genetics
Classification: Uncertain significance. Last evaluated: 2023-03-20. Review status: criteria provided, single submitter. Criteria: Ambry Variant Classification Scheme 2023. Collection method: clinical testing. Allele origin: germline.

Women's Health and Genetics/Laboratory Corporation of America, LabCorp
Classification: Likely benign. Last evaluated: 2020-08-24. Review status: criteria provided, single submitter. Criteria: LabCorp Variant Classification Summary - May 2015. Collection method: clinical testing. Allele origin: germline.
Comment: Variant summary: MYLK2 c.1253C>T (p.Thr418Ile) results in a non-conservative amino acid change located in the protein kinase domain (IPR000719) of the encoded protein sequence. Four of five in-silico tools predict a damaging effect of the variant on protein function. The variant allele was found at a frequency of 0.0001 in 251340 control chromosomes, predominantly at a frequency of 0.0014 within the African or African-American subpopulation in the gnomAD database. The observed variant frequency within African or African-American control individuals in the gnomAD database is approximately 56 fold of the estimated maximal expected allele frequency for a pathogenic variant in MYLK2 causing Hypertrophic Cardiomyopathy phenotype (2.5e-05), strongly suggesting that the variant is a benign polymorphism found primarily in populations of African or African-American origin. To our knowledge, no occurrence of c.1253C>T in individuals affected with Hypertrophic Cardiomyopathy and no experimental evidence demonstrating its impact on protein function have been reported. Co-occurrence with another pathogenic variant has been reported ( TTR c.424G>A, p.Val142Ile), providing supporting evidence for a benign role (internal database). One ClinVar submitter (evaluation after 2014) cite the variant as likely benign. Based on the evidence outlined above, the variant was classified as likely benign.

Mayo Clinic Laboratories, Mayo Clinic
Classification: Uncertain significance. Last evaluated: 2019-07-08. Review status: criteria provided, single submitter. Criteria: ACMG Guidelines, 2015. Collection method: clinical testing. Allele origin: germline. Observed: 1 variant allele.

PreventionGenetics, part of Exact Sciences
Classification: Likely benign for MYLK2-related condition. Last evaluated: 2022-06-27. Review status: no assertion criteria provided. Collection method: clinical testing. Allele origin: germline. Not counted in ClinVar's aggregate classification.
Comment: This variant is classified as likely benign based on ACMG/AMP sequence variant interpretation guidelines (Richards et al. 2015 PMID: 25741868, with internal and published modifications).

NM_033118.4(MYLK2):c.1253C>T (p.Thr418Ile)

Gene: MYLK2 (myosin light chain kinase 2; plus strand). Cytogenetic location: 20q11.21.
Variant type: single nucleotide variant.
Coding change: c.1253C>T on transcript NM_033118.4 (MANE Select); coding-DNA position 1253, C replaced by T.
Protein change: p.Thr418Ile; replaces threonine 418 with isoleucine.
Molecular consequence: missense variant.
Genome position (GRCh38, 1-based): chr20:31,830,847, C>T. VCF-style: chr20-31830847-C-T. GRCh37 (hg19) VCF-style: chr20-30418650-C-T.
Other names: short protein forms T418I.
Identifiers: ClinVar variation 473042 (VCV000473042.30), dbSNP rs144129296, ClinGen allele CA9803151.